The following is an entry in ClinVar:

ClinVar aggregate classification (germline): Uncertain significance. Review status: criteria provided, multiple submitters, no conflicts (2 of 4 stars). 9 submissions from 9 submitters: Uncertain significance (9). Last evaluated 2025-10-10.

Conditions:
Hereditary cancer-predisposing syndrome. Also called: Tumor predisposition; Hereditary Cancer Syndrome; Neoplastic Syndromes, Hereditary; Hereditary neoplastic syndrome. Identifiers: Orphanet 140162, MedGen C0027672, MeSH D009386, MONDO:0015356.
Peutz-Jeghers syndrome (PJS). Also called: POLYPOSIS, HAMARTOMATOUS INTESTINAL; POLYPS-AND-SPOTS SYNDROME; Peutz-Jeghers polyposis; Periorificial lentiginosis syndrome. Identifiers: Orphanet 2869, MedGen C0031269, MeSH D010580, MONDO:0008280, OMIM 175200.

Allele frequency attached by ClinVar (database versions not stated): TOPMed 0.00001.
gnomAD v4.1: 5 of 1,593,832 alleles (0.00031%); highest among the groups gnomAD compares: Admixed American, 0.0017%; no homozygotes.

Submissions (9):

Labcorp Genetics (formerly Invitae), Labcorp
Classification: Uncertain significance for Peutz-Jeghers syndrome. Last evaluated: 2025-10-10. Review status: criteria provided, single submitter. Criteria: Invitae Variant Classification Sherloc (09022015). Collection method: clinical testing. Allele origin: germline.
Comment: This sequence change replaces proline, which is neutral and non-polar, with serine, which is neutral and polar, at codon 324 of the STK11 protein (p.Pro324Ser). This variant is present in population databases (rs549474196, gnomAD 0.007%). This variant has not been reported in the literature in individuals affected with STK11-related conditions. ClinVar contains an entry for this variant (Variation ID: 127711). Invitae Evidence Modeling of protein sequence and biophysical properties (such as structural, functional, and spatial information, amino acid conservation, physicochemical variation, residue mobility, and thermodynamic stability) indicates that this missense variant is not expected to disrupt STK11 protein function with a negative predictive value of 95%. In summary, the available evidence is currently insufficient to determine the role of this variant in disease. Therefore, it has been classified as a Variant of Uncertain Significance.

Molecular Pathology, Peter Maccallum Cancer Centre
Classification: Uncertain significance for Peutz-Jeghers syndrome. Last evaluated: 2025-06-06. Review status: criteria provided, single submitter. Criteria: ACMG Guidelines, 2015. Collection method: clinical testing. Allele origin: germline. Inheritance: Autosomal dominant inheritance.

GeneDx
Classification: Uncertain significance. Last evaluated: 2025-01-07. Review status: criteria provided, single submitter. Criteria: GeneDx Variant Classification Process June 2021. Collection method: clinical testing. Allele origin: germline. Affected: yes.
Comment: Observed in an individual with breast cancer but also in an unaffected control (PMID: 33471991); In silico analysis supports that this missense variant has a deleterious effect on protein structure/function; Not observed at significant frequency in large population cohorts (gnomAD); This variant is associated with the following publications: (PMID: 35534704, 28900777, 33471991)

Ambry Genetics
Classification: Uncertain significance for Hereditary cancer-predisposing syndrome. Last evaluated: 2023-11-08. Review status: criteria provided, single submitter. Criteria: Ambry Variant Classification Scheme 2023. Collection method: clinical testing. Allele origin: germline.
Comment: The p.P324S variant (also known as c.970C>T), located in coding exon 8 of the STK11 gene, results from a C to T substitution at nucleotide position 970. The proline at codon 324 is replaced by serine, an amino acid with similar properties. This variant was reported in 1/60,466 breast cancer cases and in 1/53,461 controls (Dorling et al. N Engl J Med. 2021 02;384:428-439). This amino acid position is well conserved in available vertebrate species. In addition, this alteration is predicted to be tolerated by in silico analysis. Since supporting evidence is limited at this time, the clinical significance of this alteration remains unclear.

All of Us Research Program, National Institutes of Health
Classification: Uncertain significance for Peutz-Jeghers syndrome. Last evaluated: 2023-06-08. Review status: criteria provided, single submitter. Criteria: ACMG Guidelines, 2015. Collection method: clinical testing. Allele origin: germline. Inheritance: Autosomal dominant inheritance. Observed: 1 variant allele, 1 heterozygote.
Comment: This missense variant replaces proline with serine at codon 324 of the STK11 protein. Computational prediction suggests that this variant may not impact protein structure and function (internally defined REVEL score threshold <= 0.5, PMID: 27666373). To our knowledge, functional studies have not been reported for this variant. This variant has not been reported in individuals affected with STK11-related disorders in the literature. This variant has been identified in 1/31376 chromosomes in the general population by the Genome Aggregation Database (gnomAD). The available evidence is insufficient to determine the role of this variant in disease conclusively. Therefore, this variant is classified as a Variant of Uncertain Significance.

This study involves interpretation of variants in research participants for the purpose of population health screening. Participant phenotype was not available at the time of variant classification. Additional details can be found in publication PMID: 35346344, PMCID: PMC8962531

Color Diagnostics, LLC DBA Color Health
Classification: Uncertain significance for Hereditary cancer-predisposing syndrome. Last evaluated: 2023-05-18. Review status: criteria provided, single submitter. Criteria: ACMG Guidelines, 2015. Collection method: clinical testing. Allele origin: germline.
Comment: This missense variant replaces proline with serine at codon 324 of the STK11 protein. Computational prediction suggests that this variant may not impact protein structure and function (internally defined REVEL score threshold <= 0.5, PMID: 27666373). To our knowledge, functional studies have not been reported for this variant. This variant has not been reported in individuals affected with STK11-related disorders in the literature. This variant has been identified in 1/31376 chromosomes in the general population by the Genome Aggregation Database (gnomAD). The available evidence is insufficient to determine the role of this variant in disease conclusively. Therefore, this variant is classified as a Variant of Uncertain Significance.

Genome-Nilou Lab
Classification: Uncertain significance for Peutz-Jeghers syndrome. Last evaluated: 2021-07-15. Review status: criteria provided, single submitter. Criteria: ACMG Guidelines, 2015. Collection method: clinical testing. Allele origin: germline. Affected: no.

Mendelics
Classification: Uncertain significance for Peutz-Jeghers syndrome. Last evaluated: 2018-07-02. Review status: criteria provided, single submitter. Criteria: Mendelics Assertion Criteria 2017. Collection method: clinical testing. Allele origin: unknown.

Quest Diagnostics Nichols Institute San Juan Capistrano
Classification: Uncertain significance. Last evaluated: 2018-01-05. Review status: criteria provided, single submitter. Criteria: Quest Diagnostics criteria. Collection method: clinical testing. Allele origin: germline.

Literature cited by the submitters: PubMed 33471991 (cited by Ambry Genetics).

NM_000455.5(STK11):c.970C>T (p.Pro324Ser)

Gene: STK11 (serine/threonine kinase 11; plus strand). Cytogenetic location: 19p13.3.
Variant type: single nucleotide variant.
Coding change: c.970C>T on transcript NM_000455.5 (MANE Select); coding-DNA position 970, C replaced by T.
Protein change: p.Pro324Ser; replaces proline 324 with serine.
Molecular consequence: missense variant.
Genome position (GRCh38, 1-based): chr19:1,223,034, C>T. VCF-style: chr19-1223034-C-T. GRCh37 (hg19) VCF-style: chr19-1223033-C-T.
Other names: p.P324S:CCG>TCG; short protein forms P324S.
Identifiers: ClinVar variation 127711 (VCV000127711.27), dbSNP rs549474196, ClinGen allele CA023383.
Genomic context (GRCh38, chr19:1,223,034, plus strand): 5'-GGCGTTTGCAGCTGGTTCCGGAAGAAACATCCTCCGGCTGAAGCACCAGTGCCCATCCCA[C>T]CGAGCCCAGACACCAAGGACCGGTGGCGCAGCATGACTGTGGTGCCGTACTTGGAGGACC-3'
Protein context (NP_000446.1, residues 314-334): PPAEAPVPIP[Pro324Ser]SPDTKDRWRS